The following is an entry in ClinVar:

NM_006031.6(PCNT):c.6014T>C (p.Leu2005Pro)

Gene: PCNT (pericentrin; plus strand). Cytogenetic location: 21q22.3.
Variant type: single nucleotide variant.
Coding change: c.6014T>C on transcript NM_006031.6 (MANE Select); coding-DNA position 6014, T replaced by C.
Protein change: p.Leu2005Pro; replaces leucine 2005 with proline.
Molecular consequence: missense variant.
Genome position (GRCh38, 1-based): chr21:46,412,856, T>C. VCF-style: chr21-46412856-T-C. GRCh37 (hg19) VCF-style: chr21-47832770-T-C.
Other names: c.5660T>C, p.Leu1887Pro (NM_001315529.2); short protein forms L2005P, L1887P.
Identifiers: ClinVar variation 4133346 (VCV004133346.2).
Genomic context (GRCh38, chr21:46,412,856, plus strand): 5'-GCCTCCTGCATGCTCAGCTTTCCTCTGTCTCCTCTGTCAAGGGTGATCTGCAGCCTGTCC[T>C]GGTGACGTTGAAGGATGCACCTCTCTGCAAGCAAGAAGGCGTGATGTCAGTGCTCACCGT-3'
Protein context (NP_006022.3, residues 1995-2015): PDPQGDLQPV[Leu2005Pro]VTLKDAPLCK

ClinVar aggregate classification (germline): Uncertain significance. Review status: criteria provided, multiple submitters, no conflicts (2 of 4 stars). 2 submissions from 2 submitters: Uncertain significance (2). Last evaluated 2025-08-29.

Conditions:
PCNT-related disorder. Also called: PCNT-related condition.
Inborn genetic diseases. Identifiers: MedGen C0950123, MeSH D030342.

gnomAD v4.1: 6 of 1,612,248 alleles (0.00037%); highest among the groups gnomAD compares: Non-Finnish European, 0.00051%; no homozygotes.

Submissions (2):

Ambry Genetics
Classification: Uncertain significance for Inborn genetic diseases. Last evaluated: 2025-08-29. Review status: criteria provided, single submitter. Criteria: Ambry Variant Classification Scheme 2023. Collection method: clinical testing. Allele origin: germline.

PreventionGenetics, part of Exact Sciences
Classification: Uncertain significance for PCNT-related condition. Last evaluated: 2025-08-13. Review status: criteria provided, single submitter. Criteria: ACMG Guidelines, 2015. Collection method: clinical testing. Allele origin: germline.
Comment: The PCNT c.6014T>C variant is predicted to result in the amino acid substitution p.Leu2005Pro. To our knowledge, this variant has not been reported in the literature. This variant is reported in 0.0031% of alleles in individuals of European (Non-Finnish) descent in gnomAD. At this time, the clinical significance of this variant is uncertain due to the absence of conclusive functional and genetic evidence.